The following is an entry in ClinVar:

ClinVar aggregate classification (germline): Uncertain significance (1 of 4 stars; one submission).

Submission:

Labcorp Genetics (formerly Invitae), Labcorp
Classification: Uncertain significance. Last evaluated: 2024-06-28. Review status: criteria provided, single submitter. Criteria: Invitae Variant Classification Sherloc (09022015). Collection method: clinical testing. Allele origin: germline.
Comment: This sequence change replaces alanine, which is neutral and non-polar, with threonine, which is neutral and polar, at codon 76 of the MBD4 protein (p.Ala76Thr). This variant is not present in population databases (gnomAD no frequency). This variant has not been reported in the literature in individuals affected with MBD4-related conditions. An algorithm developed to predict the effect of missense changes on protein structure and function (PolyPhen-2) suggests that this variant is likely to be tolerated. In summary, the available evidence is currently insufficient to determine the role of this variant in disease. Therefore, it has been classified as a Variant of Uncertain Significance.

NM_001276270.2(MBD4):c.226G>A (p.Ala76Thr)

Gene: MBD4 (methyl-CpG binding domain 4, DNA glycosylase; minus strand). Cytogenetic location: 3q21.3.
Variant type: single nucleotide variant.
Coding change: c.226G>A on transcript NM_001276270.2 (MANE Select); coding-DNA position 226, G replaced by A.
Protein change: p.Ala76Thr; replaces alanine 76 with threonine.
Molecular consequence: missense variant.
Genome position (GRCh38, 1-based): chr3:129,437,829, C>T on the plus strand (G>A on the coding strand, the complement: MBD4 is on the minus strand). VCF-style: chr3-129437829-C-T. GRCh37 (hg19) VCF-style: chr3-129156672-C-T.
Other names: c.226G>A, p.Ala76Thr (NM_001276271.2, NM_001276272.2, NM_001276273.2 and 1 more transcripts); short protein forms A76T.
Identifiers: ClinVar variation 3658059 (VCV003658059.2).